The following is an entry in ClinVar:

ClinVar aggregate classification (germline): Uncertain significance (1 of 4 stars; one submission).

Allele frequency attached by ClinVar (database versions not stated): gnomAD 0.00001; TOPMed 0.00002; ExAC 0.00008; ESP Exome Variant Server 0.00015.
gnomAD v4.1: 22 of 1,614,064 alleles (0.0014%); highest among the groups gnomAD compares: Non-Finnish European, 0.0016%; no homozygotes.

Submission:

Labcorp Genetics (formerly Invitae), Labcorp
Classification: Uncertain significance. Last evaluated: 2024-05-28. Review status: criteria provided, single submitter. Criteria: Invitae Variant Classification Sherloc (09022015). Collection method: clinical testing. Allele origin: germline.
Comment: This sequence change replaces glutamine, which is neutral and polar, with histidine, which is basic and polar, at codon 934 of the KL protein (p.Gln934His). This variant is present in population databases (rs142248070, gnomAD 0.008%). This variant has not been reported in the literature in individuals affected with KL-related conditions. ClinVar contains an entry for this variant (Variation ID: 1909325). Advanced modeling of protein sequence and biophysical properties (such as structural, functional, and spatial information, amino acid conservation, physicochemical variation, residue mobility, and thermodynamic stability) performed at Invitae indicates that this missense variant is not expected to disrupt KL protein function with a negative predictive value of 80%. In summary, the available evidence is currently insufficient to determine the role of this variant in disease. Therefore, it has been classified as a Variant of Uncertain Significance.

NM_004795.4(KL):c.2802G>T (p.Gln934His)

Gene: KL (klotho; plus strand). Cytogenetic location: 13q13.1.
Variant type: single nucleotide variant.
Coding change: c.2802G>T on transcript NM_004795.4 (MANE Select); coding-DNA position 2802, G replaced by T.
Protein change: p.Gln934His; replaces glutamine 934 with histidine.
Molecular consequence: missense variant.
Genome position (GRCh38, 1-based): chr13:33,063,949, G>T. VCF-style: chr13-33063949-G-T. GRCh37 (hg19) VCF-style: chr13-33638086-G-T.
Other names: short protein forms Q934H.
Identifiers: ClinVar variation 1909325 (VCV001909325.5), dbSNP rs142248070, ClinGen allele CA6944395.